The following is an entry in ClinVar:

ClinVar aggregate classification (germline): Likely benign (1 of 4 stars; one submission).

Conditions:
Monogenic diabetes. Identifiers: Orphanet 183625, MedGen C3888631, MONDO:0015967.

Allele frequency attached by ClinVar (database versions not stated): gnomAD exomes below 0.00001.
gnomAD v4.1: 2 of 1,614,086 alleles (0.00012%); highest among the groups gnomAD compares: Non-Finnish European, 0.00017%; no homozygotes.

Submission:

Personalized Diabetes Medicine Program, University of Maryland School of Medicine
Classification: Likely benign for Monogenic diabetes. Last evaluated: 2017-07-14. Review status: criteria provided, single submitter. Criteria: ACMG Guidelines, 2015. Collection method: research. Allele origin: unknown. Observed: 1 variant allele, 1 heterozygote.
Comment: ACMG criteria: BP4 (8 predictors), PM2 (absent in database), BP1 (missense in gene where truncating is causative)=likely benign

NM_001378454.1(ALMS1):c.2973G>T (p.Lys991Asn)

Gene: ALMS1 (ALMS1 centrosome and basal body associated protein; plus strand). Cytogenetic location: 2p13.1.
Variant type: single nucleotide variant.
Coding change: c.2973G>T on transcript NM_001378454.1 (MANE Select); coding-DNA position 2973, G replaced by T.
Protein change: p.Lys991Asn; replaces lysine 991 with asparagine.
Molecular consequence: missense variant.
Genome position (GRCh38, 1-based): chr2:73,449,500, G>T. VCF-style: chr2-73449500-G-T. GRCh37 (hg19) VCF-style: chr2-73676627-G-T.
Other names: c.2976G>T, p.Lys992Asn (NM_015120.4); short protein forms K991N, K992N.
Identifiers: ClinVar variation 916713 (VCV000916713.2), dbSNP rs1444578140, ClinGen allele CA347273290.